The following is an entry in ClinVar:

NM_005228.5(EGFR):c.1499-5C>T

Gene: EGFR (epidermal growth factor receptor; plus strand). Cytogenetic location: 7p11.2.
Variant type: single nucleotide variant.
Coding change: c.1499-5C>T on transcript NM_005228.5 (MANE Select); 5 bases into the intron before coding-DNA position 1499, C replaced by T.
Molecular consequence: intron variant.
Genome position (GRCh38, 1-based): chr7:55,161,494, C>T. VCF-style: chr7-55161494-C-T. GRCh37 (hg19) VCF-style: chr7-55229187-C-T.
Other names: c.1499-5C>T (NM_005228.3, NM_001346898.2, NM_201284.2 and 1 more transcripts); c.1364-5C>T (NM_001346899.2, NM_001346897.2); c.698-5C>T (NM_001346941.2); c.1340-5C>T (NM_001346900.2).
Identifiers: ClinVar variation 1121864 (VCV001121864.11), dbSNP rs1459322761, ClinGen allele CA574332309.

ClinVar aggregate classification (germline): Conflicting classifications of pathogenicity. Review status: criteria provided, conflicting classifications (1 of 4 stars). 2 submissions from 2 submitters: Uncertain significance (1); Likely benign (1). Last evaluated 2025-11-05.

Conditions:
Hereditary cancer-predisposing syndrome. Also called: Neoplastic Syndromes, Hereditary; Hereditary Cancer Syndrome; Hereditary neoplastic syndrome; Tumor predisposition. Identifiers: Orphanet 140162, MedGen C0027672, MeSH D009386, MONDO:0015356.
EGFR-related lung cancer (EGFR). Identifiers: MedGen CN130014.

Allele frequency attached by ClinVar (database versions not stated): gnomAD exomes below 0.00001; TOPMed below 0.00001; gnomAD 0.00001.
gnomAD v4.1: 6 of 1,613,364 alleles (0.00037%); highest among the groups gnomAD compares: Admixed American, 0.0017%; no homozygotes.

Submissions (2):

Labcorp Genetics (formerly Invitae), Labcorp
Classification: Likely benign for EGFR-related lung cancer. Last evaluated: 2025-11-05. Review status: criteria provided, single submitter. Criteria: Invitae Variant Classification Sherloc (09022015). Collection method: clinical testing. Allele origin: germline.

Ambry Genetics
Classification: Uncertain significance for Hereditary cancer-predisposing syndrome. Last evaluated: 2025-02-04. Review status: criteria provided, single submitter. Criteria: Ambry Variant Classification Scheme 2023. Collection method: clinical testing. Allele origin: germline.
Comment: The c.1499-5C>T intronic variant results from a C to T substitution 5 nucleotides upstream from coding exon 13 in the EGFR gene. This nucleotide position is well conserved in available vertebrate species. In silico splice site analysis predicts that this alteration will not have any significant effect on splicing. Based on the available evidence, the clinical significance of this variant remains unclear.